The following is an entry in ClinVar:

ClinVar aggregate classification (germline): Likely pathogenic (1 of 4 stars; one submission).

Conditions:
Bifunctional peroxisomal enzyme deficiency (DBIF). Also called: DBP DEFICIENCY; PBFE DEFICIENCY; D-bifunctional protein deficiency. Identifiers: Orphanet 300, MedGen C0342870, MONDO:0009855, OMIM 261515. Disease mechanism: loss of function.

Submission:

Myriad Genetics, Inc.
Classification: Likely pathogenic for Bifunctional peroxisomal enzyme deficiency. Last evaluated: 2022-02-24. Review status: criteria provided, single submitter. Criteria: Myriad Autosomal Dominant, Autosomal Recessive and X-Linked Classification Criteria (2023). Collection method: clinical testing. Allele origin: unknown.
Comment: NM_000414.3(HSD17B4):c.1449_1451delCATinsA(I484Tfs*2) is expected to be pathogenic in the context of HSD17B4-related disorders. This variant is predicted to lead to an abnormal or absent protein product due to the creation of a premature termination codon in HSD17B4, a gene where loss-of-function variants are known to be pathogenic. Please note: this variant was assessed in the context of healthy population screening.

NM_000414.4(HSD17B4):c.1449_1451delinsA (p.Ile484fs)

Gene: HSD17B4 (hydroxysteroid 17-beta dehydrogenase 4; plus strand). Cytogenetic location: 5q23.1.
Variant type: Indel.
Coding change: c.1449_1451delinsA on transcript NM_000414.4 (MANE Select); coding-DNA positions 1449 to 1451, CAT replaced by A.
Protein change: p.Ile484fs; shifts the reading frame from isoleucine 484.
Molecular consequence: frameshift variant. On other transcripts: non-coding transcript variant (2).
Genome position (GRCh38, 1-based): chr5:119,514,992-119,514,994, CAT replaced by A. VCF-style: chr5-119514992-CAT-A. GRCh37 (hg19) VCF-style: chr5-118850687-CAT-A.
Other names: c.1524_1526delinsA, p.Ile509fs (NM_001199291.3); c.1395_1397delinsA, p.Ile466fs (NM_001199292.2); c.1377_1379delinsA, p.Ile460fs (NM_001292027.2, NM_001374498.1); c.1029_1031delinsA, p.Ile344fs (NM_001292028.2); c.1440_1442delinsA, p.Ile481fs (NM_001374497.1); c.1122_1124delinsA, p.Ile375fs (NM_001374499.1); c.1008_1010delinsA, p.Ile337fs (NM_001374500.1); c.1038_1040delinsA, p.Ile347fs (NM_001374501.1, NM_001374502.1, NM_001374503.1); short protein forms I337fs, I344fs, I347fs, I375fs, I460fs, I466fs, I481fs, I484fs.
Identifiers: ClinVar variation 1724650 (VCV001724650.3), dbSNP rs2531840596, ClinGen allele CA2580072542.